The following is an entry in ClinVar:

ClinVar aggregate classification (germline): Uncertain significance. Review status: criteria provided, multiple submitters, no conflicts (2 of 4 stars). 3 submissions from 3 submitters: Uncertain significance (3). Last evaluated 2023-02-15.

Conditions:
RASopathy. Also called: rasopathies; Noonan spectrum disorder. Identifiers: Orphanet 536391, MedGen C5555857, MONDO:0021060.

gnomAD v4.1: 5 of 1,597,604 alleles (0.00031%); highest among the groups gnomAD compares: Non-Finnish European, 0.00043%; no homozygotes.

Submissions (3):

Blueprint Genetics
Classification: Uncertain significance. Last evaluated: 2023-02-15. Review status: criteria provided, single submitter. Criteria: ACMG Guidelines, 2015. Collection method: clinical testing. Allele origin: germline.

Labcorp Genetics (formerly Invitae), Labcorp
Classification: Uncertain significance for RASopathy. Last evaluated: 2022-06-25. Review status: criteria provided, single submitter. Criteria: Invitae Variant Classification Sherloc (09022015). Collection method: clinical testing. Allele origin: germline.
Comment: In summary, the available evidence is currently insufficient to determine the role of this variant in disease. Therefore, it has been classified as a Variant of Uncertain Significance. Algorithms developed to predict the effect of missense changes on protein structure and function (SIFT, PolyPhen-2, Align-GVGD) all suggest that this variant is likely to be disruptive. ClinVar contains an entry for this variant (Variation ID: 543996). This variant has not been reported in the literature in individuals affected with MAP2K2-related conditions. This variant is not present in population databases (gnomAD no frequency). This sequence change replaces aspartic acid, which is acidic and polar, with glutamic acid, which is acidic and polar, at codon 151 of the MAP2K2 protein (p.Asp151Glu).

Mayo Clinic Laboratories, Mayo Clinic
Classification: Uncertain significance. Last evaluated: 2020-09-16. Review status: criteria provided, single submitter. Criteria: ACMG Guidelines, 2015. Collection method: clinical testing. Allele origin: germline. Observed: 1 variant allele.

NM_030662.4(MAP2K2):c.453C>G (p.Asp151Glu)

Gene: MAP2K2 (mitogen-activated protein kinase kinase 2; minus strand). Cytogenetic location: 19p13.3.
Variant type: single nucleotide variant.
Coding change: c.453C>G on transcript NM_030662.4 (MANE Select); coding-DNA position 453, C replaced by G.
Protein change: p.Asp151Glu; replaces aspartic acid 151 with glutamic acid.
Molecular consequence: missense variant.
Genome position (GRCh38, 1-based): chr19:4,102,451, G>C on the plus strand (C>G on the coding strand, the complement: MAP2K2 is on the minus strand). VCF-style: chr19-4102451-G-C. GRCh37 (hg19) VCF-style: chr19-4102449-G-C.
Other names: short protein forms D151E.
Identifiers: ClinVar variation 543996 (VCV000543996.14), dbSNP rs17851657, ClinGen allele CA403390199.